The following is an entry in ClinVar:

NM_001170.3(AQP7):c.619G>A (p.Gly207Ser)

Gene: AQP7 (aquaporin 7; minus strand). Cytogenetic location: 9p13.3.
Variant type: single nucleotide variant.
Coding change: c.619G>A on transcript NM_001170.3 (MANE Select); coding-DNA position 619, G replaced by A.
Protein change: p.Gly207Ser; replaces glycine 207 with serine.
Molecular consequence: missense variant. On other transcripts: non-coding transcript variant (5).
Genome position (GRCh38, 1-based): chr9:33,385,773, C>T on the plus strand (G>A on the coding strand, the complement: AQP7 is on the minus strand). VCF-style: chr9-33385773-C-T. GRCh37 (hg19) VCF-style: chr9-33385771-C-T.
Other names: c.448G>A, p.Gly150Ser (NM_001318156.2); c.616G>A, p.Gly206Ser (NM_001318157.2); c.619G>A, p.Gly207Ser (NM_001318158.2, NM_001376191.1, NM_001376192.1 and 1 more transcripts); short protein forms G207S, G150S, G206S.
Identifiers: ClinVar variation 402387 (VCV000402387.4), dbSNP rs117663392, ClinGen allele CA5025817.

ClinVar aggregate classification (germline): Benign (1 of 4 stars; one submission).

Allele frequency attached by ClinVar (database versions not stated): ExAC 0.04519.

Submission:

Laboratory for Molecular Medicine, Mass General Brigham Personalized Medicine
Classification: Benign. Last evaluated: 2016-03-28. Review status: criteria provided, single submitter. Criteria: LMM Criteria. Collection method: clinical testing. Allele origin: germline.
Comment: Variant identified in a genome or exome case(s) and assessed due to predicted null impact of the variant or pathogenic assertions in the literature or databases. Disclaimer: This variant has not undergone full assessment. The following are preliminary notes: Frequency